The following is an entry in ClinVar:

ClinVar aggregate classification (germline): Uncertain significance (1 of 4 stars; one submission).

Submission:

Laboratory for Molecular Medicine, Mass General Brigham Personalized Medicine
Classification: Uncertain significance. Last evaluated: 2013-03-09. Review status: criteria provided, single submitter. Criteria: LMM Criteria. Collection method: clinical testing. Allele origin: germline. Observed: 1 variant allele.
Comment: The Asn1740Ile variant in CDH23 has not been reported in affected individuals or in large population studies. Computational analyses (biochemical amino acid pro perties, conservation, AlignGVGD, PolyPhen2, and SIFT) do not provide strong sup port for or against an impact to the protein. In summary, additional data is ne eded to determine the clinical significance of this variant.

NM_022124.6(CDH23):c.5219A>T (p.Asn1740Ile)

Gene: CDH23 (cadherin related 23; plus strand). Cytogenetic location: 10q22.1.
Variant type: single nucleotide variant.
Coding change: c.5219A>T on transcript NM_022124.6 (MANE Select); coding-DNA position 5219, A replaced by T.
Protein change: p.Asn1740Ile; replaces asparagine 1740 with isoleucine.
Molecular consequence: missense variant.
Genome position (GRCh38, 1-based): chr10:71,779,298, A>T. VCF-style: chr10-71779298-A-T. GRCh37 (hg19) VCF-style: chr10-73539055-A-T.
Other names: short protein forms N1740I.
Identifiers: ClinVar variation 45970 (VCV000045970.4), dbSNP rs397517336, ClinGen allele CA137471.